The following is an entry in ClinVar:

NM_002755.4(MAP2K1):c.517-4C>T

Gene: MAP2K1 (mitogen-activated protein kinase kinase 1; plus strand). Cytogenetic location: 15q22.31.
Variant type: single nucleotide variant.
Coding change: c.517-4C>T on transcript NM_002755.4 (MANE Select); 4 bases into the intron before coding-DNA position 517, C replaced by T.
Molecular consequence: intron variant.
Genome position (GRCh38, 1-based): chr15:66,444,652, C>T. VCF-style: chr15-66444652-C-T. GRCh37 (hg19) VCF-style: chr15-66736990-C-T.
Identifiers: ClinVar variation 380658 (VCV000380658.8), dbSNP rs200197244, ClinGen allele CA7623964.

ClinVar aggregate classification (germline): Likely benign. Review status: criteria provided, multiple submitters, no conflicts (2 of 4 stars). 2 submissions from 2 submitters: Likely benign (2). Last evaluated 2024-02-13.

Conditions:
RASopathy. Also called: Noonan spectrum disorder; rasopathies. Identifiers: Orphanet 536391, MedGen C5555857, MONDO:0021060.

Allele frequency attached by ClinVar (database versions not stated): gnomAD exomes 0.00001 and 0.00002; TOPMed 0.00001; ExAC 0.00003.
gnomAD v4.1: 15 of 1,600,744 alleles (0.00094%); highest among the groups gnomAD compares: South Asian, 0.015%; no homozygotes.

Submissions (2):

Labcorp Genetics (formerly Invitae), Labcorp
Classification: Likely benign for RASopathy. Last evaluated: 2024-02-13. Review status: criteria provided, single submitter. Criteria: Invitae Variant Classification Sherloc (09022015). Collection method: clinical testing. Allele origin: germline.

GeneDx
Classification: Likely benign. Last evaluated: 2015-10-19. Review status: criteria provided, single submitter. Criteria: GeneDx Variant Classification (06012015). Collection method: clinical testing. Allele origin: germline. Affected: yes.
Comment: This variant is considered likely benign or benign based on one or more of the following criteria: it is a conservative change, it occurs at a poorly conserved position in the protein, it is predicted to be benign by multiple in silico algorithms, and/or has population frequency not consistent with disease.